The following is an entry in ClinVar:

NM_004006.3(DMD):c.8018T>G (p.Ile2673Ser)

Gene: DMD (dystrophin; minus strand). Cytogenetic location: Xp21.1.
Variant type: single nucleotide variant.
Coding change: c.8018T>G on transcript NM_004006.3 (MANE Select); coding-DNA position 8018, T replaced by G.
Protein change: p.Ile2673Ser; replaces isoleucine 2673 with serine.
Molecular consequence: missense variant.
Genome position (GRCh38, 1-based): chrX:31,657,999, A>C on the plus strand (T>G on the coding strand, the complement: DMD is on the minus strand). VCF-style: chrX-31657999-A-C. GRCh37 (hg19) VCF-style: chrX-31676116-A-C.
Other names: c.7994T>G, p.Ile2665Ser (NM_000109.4); c.8006T>G, p.Ile2669Ser (NM_004009.3); c.7649T>G, p.Ile2550Ser (NM_004010.3); c.3995T>G, p.Ile1332Ser (NM_004011.4); c.3986T>G, p.Ile1329Ser (NM_004012.4); c.638T>G, p.Ile213Ser (NM_004013.3, NM_004020.4, NM_004021.3 and 2 more transcripts); short protein forms I1329S, I1332S, I213S, I2550S, I2665S, I2669S, I2673S.
Identifiers: ClinVar variation 1014174 (VCV001014174.6), dbSNP rs2080888300, ClinGen allele CA412655732.

ClinVar aggregate classification (germline): Uncertain significance (1 of 4 stars; one submission).

Conditions:
Duchenne muscular dystrophy (DMD). Also called: MUSCULAR DYSTROPHY, PSEUDOHYPERTROPHIC PROGRESSIVE, DUCHENNE TYPE; Duchenne Muscular Dystrophy (DMD). Identifiers: Orphanet 98896, MedGen C0013264, MONDO:0010679, OMIM 310200.

Submission:

Labcorp Genetics (formerly Invitae), Labcorp
Classification: Uncertain significance for Duchenne muscular dystrophy. Last evaluated: 2021-08-27. Review status: criteria provided, single submitter. Criteria: Invitae Variant Classification Sherloc (09022015). Collection method: clinical testing. Allele origin: germline.
Comment: This sequence change replaces isoleucine with serine at codon 2673 of the DMD protein (p.Ile2673Ser). The isoleucine residue is highly conserved and there is a large physicochemical difference between isoleucine and serine. This variant is not present in population databases (ExAC no frequency). This variant has not been reported in the literature in individuals affected with DMD-related conditions. Algorithms developed to predict the effect of missense changes on protein structure and function are either unavailable or do not agree on the potential impact of this missense change (SIFT: "Deleterious"; PolyPhen-2: "Benign"; Align-GVGD: "Class C65"). In summary, the available evidence is currently insufficient to determine the role of this variant in disease. Therefore, it has been classified as a Variant of Uncertain Significance.